The following is an entry in ClinVar:

NM_005959.5(MTNR1B):c.71G>A (p.Gly24Glu)

Gene: MTNR1B (melatonin receptor 1B; plus strand). Cytogenetic location: 11q14.3.
Variant type: single nucleotide variant.
Coding change: c.71G>A on transcript NM_005959.5 (MANE Select); coding-DNA position 71, G replaced by A.
Protein change: p.Gly24Glu; replaces glycine 24 with glutamic acid.
Molecular consequence: missense variant.
Genome position (GRCh38, 1-based): chr11:92,969,796, G>A. VCF-style: chr11-92969796-G-A. GRCh37 (hg19) VCF-style: chr11-92702962-G-A.
Other names: short protein forms G24E.
Identifiers: ClinVar variation 3058891 (VCV003058891.2), dbSNP rs8192552, ClinGen allele CA6228902.

ClinVar aggregate classification (germline): Benign (0 of 4 stars; one submission).

Conditions:
MTNR1B-related disorder. Also called: MTNR1B-related condition.

Allele frequency attached by ClinVar (database versions not stated): 1000 Genomes Project 0.06490; 1000 Genomes Project 30x 0.06777; ESP Exome Variant Server 0.07309; gnomAD 0.07343; TOPMed 0.07357; gnomAD exomes 0.07878; ExAC 0.08563.
gnomAD v4.1: 121,400 of 1,558,178 alleles (7.8%); highest among the groups gnomAD compares: African/African-American, 9.5%; 5,228 homozygotes.

Submission:

PreventionGenetics, part of Exact Sciences
Classification: Benign for MTNR1B-related condition. Last evaluated: 2019-10-24. Review status: no assertion criteria provided. Collection method: clinical testing. Allele origin: germline.
Comment: This variant is classified as benign based on ACMG/AMP sequence variant interpretation guidelines (Richards et al. 2015 PMID: 25741868, with internal and published modifications).